The following is an entry in ClinVar:

ClinVar aggregate classification (germline): Likely benign (1 of 4 stars; one submission).

Allele frequency attached by ClinVar (database versions not stated): gnomAD 0.00047.
gnomAD v4.1: 1,015 of 1,532,408 alleles (0.066%); highest among the groups gnomAD compares: Non-Finnish European, 0.084%; 2 homozygotes.

Submission:

CeGaT Center for Human Genetics Tuebingen
Classification: Likely benign. Last evaluated: 2022-12-01. Review status: criteria provided, single submitter. Criteria: CeGaT Center For Human Genetics Tuebingen Variant Classification Criteria Version 2. Collection method: clinical testing. Allele origin: germline. Affected: yes. Observed: 2 variant alleles.
Comment: PHLPP1: BP4, BP7

NM_194449.4(PHLPP1):c.1227G>A (p.Thr409=)

Gene: PHLPP1 (PH domain and leucine rich repeat protein phosphatase 1; plus strand). Cytogenetic location: 18q21.33.
Variant type: single nucleotide variant.
Coding change: c.1227G>A on transcript NM_194449.4 (MANE Select); coding-DNA position 1227, G replaced by A.
Protein change: p.Thr409=; no amino-acid change (threonine 409 retained).
Molecular consequence: synonymous variant.
Genome position (GRCh38, 1-based): chr18:62,716,910, G>A. VCF-style: chr18-62716910-G-A. GRCh37 (hg19) VCF-style: chr18-60384143-G-A.
Identifiers: ClinVar variation 2648789 (VCV002648789.24), dbSNP rs746927706, ClinGen allele CA301975685.